The following is an entry in ClinVar:

ClinVar aggregate classification (germline): Uncertain significance (1 of 4 stars; one submission).

Allele frequency attached by ClinVar (database versions not stated): TOPMed 0.00002; gnomAD exomes 0.00004; ExAC 0.00007.

Submission:

Labcorp Genetics (formerly Invitae), Labcorp
Classification: Uncertain significance. Last evaluated: 2025-12-12. Review status: criteria provided, single submitter. Criteria: Invitae Variant Classification Sherloc (09022015). Collection method: clinical testing. Allele origin: germline.
Comment: This sequence change replaces threonine, which is neutral and polar, with methionine, which is neutral and non-polar, at codon 660 of the TWNK protein (p.Thr660Met). This variant is present in population databases (rs571312130, gnomAD 0.02%). This variant has not been reported in the literature in individuals affected with TWNK-related conditions. ClinVar contains an entry for this variant (Variation ID: 2050511). Invitae Evidence Modeling of protein sequence and biophysical properties (such as structural, functional, and spatial information, amino acid conservation, physicochemical variation, residue mobility, and thermodynamic stability) indicates that this missense variant is not expected to disrupt TWNK protein function with a negative predictive value of 95%. In summary, the available evidence is currently insufficient to determine the role of this variant in disease. Therefore, it has been classified as a Variant of Uncertain Significance.

NM_021830.5(TWNK):c.1979C>T (p.Thr660Met)

Gene: TWNK (twinkle mtDNA helicase; plus strand). Cytogenetic location: 10q24.31.
Variant type: single nucleotide variant.
Coding change: c.1979C>T on transcript NM_021830.5 (MANE Select); coding-DNA position 1979, C replaced by T.
Protein change: p.Thr660Met; replaces threonine 660 with methionine.
Molecular consequence: missense variant. On other transcripts: 3 prime UTR variant (2), non-coding transcript variant (5).
Genome position (GRCh38, 1-based): chr10:100,993,434, C>T. VCF-style: chr10-100993434-C-T. GRCh37 (hg19) VCF-style: chr10-102753191-C-T.
Other names: c.*274C>T (NM_001163812.2, NM_001163814.2); c.617C>T, p.Thr206Met (NM_001163813.2, NM_001368275.1); short protein forms T206M, T660M.
Identifiers: ClinVar variation 2050511 (VCV002050511.4), dbSNP rs571312130, ClinGen allele CA5653377.